The following is an entry in ClinVar:

NM_001276270.2(MBD4):c.335+1G>A

Gene: MBD4 (methyl-CpG binding domain 4, DNA glycosylase; minus strand). Cytogenetic location: 3q21.3.
Variant type: single nucleotide variant.
Coding change: c.335+1G>A on transcript NM_001276270.2 (MANE Select); the canonical splice donor site of the intron after coding-DNA position 335, G replaced by A.
Molecular consequence: splice donor variant. On other transcripts: intron variant (1).
Genome position (GRCh38, 1-based): chr3:129,437,719, C>T on the plus strand (G>A on the coding strand, the complement: MBD4 is on the minus strand). VCF-style: chr3-129437719-C-T. GRCh37 (hg19) VCF-style: chr3-129156562-C-T.
Other names: c.247+89G>A (NM_001276273.2); c.335+1G>A (NM_001276272.2, NM_003925.3, NM_001276271.2).
Identifiers: ClinVar variation 2910176 (VCV002910176.4), dbSNP rs552296498, ClinGen allele CA2605555.

ClinVar aggregate classification (germline): Likely pathogenic. Review status: criteria provided, multiple submitters, no conflicts (2 of 4 stars). 2 submissions from 2 submitters: Likely pathogenic (2). Last evaluated 2026-01-12.

Conditions:
Inborn genetic diseases. Identifiers: MedGen C0950123, MeSH D030342.

Allele frequency attached by ClinVar (database versions not stated): ExAC 0.00002; TOPMed 0.00001; gnomAD 0.00002; gnomAD exomes 0.00002.
gnomAD v4.1: 38 of 1,604,652 alleles (0.0024%); highest among the groups gnomAD compares: Non-Finnish European, 0.003%; no homozygotes.

Submissions (2):

Labcorp Genetics (formerly Invitae), Labcorp
Classification: Likely pathogenic. Last evaluated: 2026-01-12. Review status: criteria provided, single submitter. Criteria: Invitae Variant Classification Sherloc (09022015). Collection method: clinical testing. Allele origin: germline.
Comment: This sequence change affects a donor splice site in intron 2 of the MBD4 gene. RNA analysis indicates that disruption of this splice site induces altered splicing and may result in an absent or altered protein product. This variant is present in population databases (rs552296498, gnomAD 0.003%). Disruption of this splice site has been observed in individual(s) with cholangiocarcinoma, glioblastoma, and/or uveal melanoma (PMID: 29760383, 30049810, 32239153, 38060262). This variant is also known as p.Arg83Profs*5. ClinVar contains an entry for this variant (Variation ID: 2910176). Studies have shown that disruption of this splice site results in activation of a cryptic splice site, and produces a non-functional protein and/or introduces a premature termination codon (PMID: 29760383). In summary, the currently available evidence indicates that the variant is pathogenic, but additional data are needed to prove that conclusively. Therefore, this variant has been classified as Likely Pathogenic.

Ambry Genetics
Classification: Likely pathogenic for Inborn genetic diseases. Last evaluated: 2024-12-26. Review status: criteria provided, single submitter. Criteria: Ambry Variant Classification Scheme 2023. Collection method: clinical testing. Allele origin: germline.
Comment: The c.335+1G>A intronic variant results from a G to A substitution one nucleotide after coding exon 2 of the MBD4 gene. This variant was identified once in a cohort of 1099 individuals with uveal melanoma from France (Derrien AC et al. J Natl Cancer Inst, 2021 Jan;113:80-87). This variant was also reported in the germline of a patient diagnosed with glioblastoma and in another patient diagnosed with cholangiocarcinoma from The Cancer Genome Atlas (TCGA) series (Rodrigues M et al. Nat Commun, 2018 May;9:1866; Sanders MA et al. Blood, 2018 Oct;132:1526-1534). RNA studies have demonstrated that this variant results in an out-of-frame loss of 88 bases through use of a a cryptic splice donor site (Rodrigues M et al. Nat Commun, 2018 May;9:1866; Ambry internal data). This variant is considered to be rare based on population cohorts in the Genome Aggregation Database (gnomAD). This nucleotide position is highly conserved in available vertebrate species. In silico splice site analysis predicts that this alteration will weaken the native splice donor site. Alterations that disrupt the canonical splice site are expected to cause aberrant splicing, resulting in an abnormal protein or a transcript that is subject to nonsense-mediated mRNA decay. As such, this alteration is classified as likely pathogenic.

Literature cited by the submitters: PubMed 29760383 (cited by Labcorp Genetics (formerly Invitae), Labcorp and Ambry Genetics); PubMed 30049810 (cited by Labcorp Genetics (formerly Invitae), Labcorp and Ambry Genetics); PubMed 32239153 (cited by Labcorp Genetics (formerly Invitae), Labcorp and Ambry Genetics); PubMed 38060262 (cited by Labcorp Genetics (formerly Invitae), Labcorp).